The following is an entry in ClinVar:

NM_000465.4(BARD1):c.2098_2099dup (p.Gln701fs)

Gene: BARD1 (BRCA1 associated RING domain 1; minus strand). Cytogenetic location: 2q35.
Variant type: Duplication.
Coding change: c.2098_2099dup on transcript NM_000465.4 (MANE Select); coding-DNA positions 2098 to 2099, 2 bases duplicated (GG; older notation c.2098_2099dupGG).
Protein change: p.Gln701fs; shifts the reading frame from glutamine 701.
Molecular consequence: frameshift variant. On other transcripts: non-coding transcript variant (3).
Genome position (GRCh38, 1-based): chr2:214,728,911-214,728,912, CC duplicated on the plus strand (GG on the coding strand, the reverse complement: BARD1 is on the minus strand); duplicating any 2 consecutive bases within chr2:214,728,911-214,728,915 gives the same sequence; the c. name uses the placement nearest the transcript's 3' end. VCF-style (leftmost placement, unchanged base first): chr2-214728910-G-GCC. GRCh37 (hg19) VCF-style: chr2-215593634-G-GCC.
Other names: c.2041_2042dup, p.Gln682fs (NM_001282543.2); c.745_746dup, p.Gln250fs (NM_001282545.2); c.688_689dup, p.Gln231fs (NM_001282548.2); c.559_560dup, p.Gln188fs (NM_001282549.2); c.2098_2099dup (NM_000465.3); short protein forms Q188fs, Q231fs, Q250fs, Q682fs, Q701fs.
Identifiers: ClinVar variation 2679945 (VCV002679945.2), dbSNP rs1553612184, ClinGen allele CA2695197110.

ClinVar aggregate classification (germline): Likely pathogenic. Review status: criteria provided, multiple submitters, no conflicts (2 of 4 stars). 2 submissions from 2 submitters: Likely pathogenic (2). Last evaluated 2024-10-02.

Conditions:
Familial cancer of breast. Also called: hereditary breast carcinoma; BREAST CANCER, FAMILIAL; Hereditary breast cancer. Identifiers: Orphanet 227535, MedGen C0346153, MONDO:0016419, OMIM 114480. Disease mechanism: loss of function.

Submissions (2):

Quest Diagnostics Nichols Institute San Juan Capistrano
Classification: Likely pathogenic. Last evaluated: 2024-10-02. Review status: criteria provided, single submitter. Criteria: Quest Diagnostics criteria. Collection method: clinical testing. Allele origin: unknown.
Comment: The BARD1 c.2098_2099dup (p.Gln701Alafs*14) variant alters the translational reading frame of the BARD1 mRNA and is predicted to cause the premature termination of BARD1 protein synthesis. This variant has not been reported in individuals with BARD1-related conditions in the published literature. This variant has not been reported in large, multi-ethnic general populations (Genome Aggregation Database). Based on the available information, this variant is classified as likely pathogenic.

Baylor Genetics
Classification: Likely pathogenic for Familial cancer of breast. Last evaluated: 2021-05-25. Review status: criteria provided, single submitter. Criteria: ACMG Guidelines, 2015. Collection method: clinical testing. Allele origin: unknown.